The following is an entry in ClinVar:

NM_001127217.3(SMAD9):c.1370G>A (p.Gly457Asp)

Gene: SMAD9 (SMAD family member 9; minus strand). Cytogenetic location: 13q13.3.
Variant type: single nucleotide variant.
Coding change: c.1370G>A on transcript NM_001127217.3 (MANE Select); coding-DNA position 1370, G replaced by A.
Protein change: p.Gly457Asp; replaces glycine 457 with aspartic acid.
Molecular consequence: missense variant.
Genome position (GRCh38, 1-based): chr13:36,848,710, C>T on the plus strand (G>A on the coding strand, the complement: SMAD9 is on the minus strand). VCF-style: chr13-36848710-C-T. GRCh37 (hg19) VCF-style: chr13-37422847-C-T.
Other names: c.1259G>A, p.Gly420Asp (NM_001378621.1, NM_005905.6); short protein forms G420D, G457D.
Identifiers: ClinVar variation 4278502 (VCV004278502.1).

ClinVar aggregate classification (germline): Uncertain significance (1 of 4 stars; one submission).

Submission:

GeneDx
Classification: Uncertain significance. Last evaluated: 2025-04-02. Review status: criteria provided, single submitter. Criteria: GeneDx Variant Classification Process June 2021. Collection method: clinical testing. Allele origin: germline. Affected: yes.
Comment: Not observed at significant frequency in large population cohorts (gnomAD); In silico analysis supports that this missense variant has a deleterious effect on protein structure/function; Has not been previously published as pathogenic or benign to our knowledge